The following is an entry in ClinVar:

NM_004667.6(HERC2):c.11009-15G>A

Gene: HERC2 (HECT and RLD domain containing E3 ubiquitin protein ligase 2; minus strand). Cytogenetic location: 15q13.1.
Variant type: single nucleotide variant.
Coding change: c.11009-15G>A on transcript NM_004667.6 (MANE Select); 15 bases into the intron before coding-DNA position 11009, G replaced by A.
Molecular consequence: intron variant.
Genome position (GRCh38, 1-based): chr15:28,144,819, C>T on the plus strand (G>A on the coding strand, the complement: HERC2 is on the minus strand). VCF-style: chr15-28144819-C-T. GRCh37 (hg19) VCF-style: chr15-28389965-C-T.
Identifiers: ClinVar variation 3382133 (VCV003382133.2).

ClinVar aggregate classification (germline): Uncertain significance (1 of 4 stars; one submission).

Conditions:
Developmental delay with autism spectrum disorder and gait instability (MRT38). Also called: Intellectual developmental disorder, autosomal recessive 38. Identifiers: Orphanet 329195, MedGen C3809753, MONDO:0014224, OMIM 615516.
SKIN/HAIR/EYE PIGMENTATION 1, BLUE/NONBLUE EYES (SHEP1). Also called: SKIN/HAIR/EYE PIGMENTATION 1, BLOND/BROWN HAIR; SKIN/HAIR/EYE PIGMENTATION 1, BLUE/BROWN EYES; BROWN EYE COLOR 2; EYE COLOR 3; EYE COLOR, BLUE/NONBLUE; EYE COLOR, BROWN/BLUE. Identifiers: MedGen C1856895, OMIM 227220.

gnomAD v4.1: 292 of 1,613,996 alleles (0.018%); highest among the groups gnomAD compares: East Asian, 0.04%; no homozygotes.

Submission:

Juno Genomics, Hangzhou Juno Genomics, Inc
Classification: Uncertain significance for SKIN/HAIR/EYE PIGMENTATION 1, BLUE/NONBLUE EYES; Developmental delay with autism spectrum disorder and gait instability. Review status: criteria provided, single submitter. Criteria: ACMG Guidelines, 2015. Collection method: clinical testing. Allele origin: germline. Affected: yes.
Comment: Absent from controls (or at extremely low frequency if recessive) in Genome Aggregation Database, Exome Sequencing Project, 1000 Genomes Project, or Exome Aggregation Consortium.